The following is an entry in ClinVar:

ClinVar aggregate classification (germline): Uncertain significance. Review status: criteria provided, multiple submitters, no conflicts (2 of 4 stars). 3 submissions from 3 submitters: Uncertain significance (3). Last evaluated 2025-01-26.

Conditions:
Inborn genetic diseases. Identifiers: MedGen C0950123, MeSH D030342.
Diamond-Blackfan anemia. Also called: Blackfan Diamond syndrome; Aregenerative anemia chronic congenital; Red cell aplasia, pure hereditary; Congenital hypoplastic anemia; Aase syndrome. Identifiers: Orphanet 124, MedGen C1260899, MeSH D029503, MONDO:0015253, HP:0004810.
GATA binding protein 1 related thrombocytopenia with dyserythropoiesis. Also called: GATA1-Related X-Linked Cytopenia; GATA1-Related Cytopenia. Identifiers: MedGen C1845837, MONDO:0100089.

Allele frequency attached by ClinVar (database versions not stated): gnomAD exomes below 0.00001.
gnomAD v4.1: 1 of 1,188,302 alleles (0.000084%); highest among the groups gnomAD compares: Non-Finnish European, 0.00011%; no homozygotes.

Submissions (3):

Ambry Genetics
Classification: Uncertain significance for Inborn genetic diseases. Last evaluated: 2025-01-26. Review status: criteria provided, single submitter. Criteria: Ambry Variant Classification Scheme 2023. Collection method: clinical testing. Allele origin: germline.

Blueprint Genetics
Classification: Uncertain significance. Last evaluated: 2024-01-23. Review status: criteria provided, single submitter. Criteria: ACMG Guidelines, 2015. Collection method: clinical testing. Allele origin: germline.

Labcorp Genetics (formerly Invitae), Labcorp
Classification: Uncertain significance for GATA binding protein 1 related thrombocytopenia with dyserythropoiesis; Diamond-Blackfan anemia. Last evaluated: 2022-10-07. Review status: criteria provided, single submitter. Criteria: Invitae Variant Classification Sherloc (09022015). Collection method: clinical testing. Allele origin: germline.
Comment: This variant is not present in population databases (gnomAD no frequency). This sequence change replaces methionine, which is neutral and non-polar, with isoleucine, which is neutral and non-polar, at codon 399 of the GATA1 protein (p.Met399Ile). This variant has not been reported in the literature in individuals affected with GATA1-related conditions. Algorithms developed to predict the effect of missense changes on protein structure and function output the following: SIFT: "Tolerated"; PolyPhen-2: "Benign"; Align-GVGD: "Class C0". The isoleucine amino acid residue is found in multiple mammalian species, which suggests that this missense change does not adversely affect protein function. In summary, the available evidence is currently insufficient to determine the role of this variant in disease. Therefore, it has been classified as a Variant of Uncertain Significance.

NM_002049.4(GATA1):c.1197G>A (p.Met399Ile)

Gene: GATA1 (GATA binding protein 1; plus strand). Cytogenetic location: Xp11.23.
Variant type: single nucleotide variant.
Coding change: c.1197G>A on transcript NM_002049.4 (MANE Select); coding-DNA position 1197, G replaced by A.
Protein change: p.Met399Ile; replaces methionine 399 with isoleucine.
Molecular consequence: missense variant.
Genome position (GRCh38, 1-based): chrX:48,794,119, G>A. VCF-style: chrX-48794119-G-A. GRCh37 (hg19) VCF-style: chrX-48652526-G-A.
Other names: short protein forms M399I.
Identifiers: ClinVar variation 2037765 (VCV002037765.6), dbSNP rs2519346974, ClinGen allele CA412872612.